The following is an entry in ClinVar:

NM_004429.5(EFNB1):c.457_458dup (p.Arg154fs)

Gene: EFNB1 (ephrin B1; plus strand). Cytogenetic location: Xq13.1.
Variant type: Microsatellite.
Coding change: c.457_458dup on transcript NM_004429.5 (MANE Select); coding-DNA positions 457 to 458, 2 bases duplicated (TG; older notation c.457_458dupTG).
Protein change: p.Arg154fs; shifts the reading frame from arginine 154.
Molecular consequence: frameshift variant.
Genome position (GRCh38, 1-based): chrX:68,839,714-68,839,715, TG duplicated; duplicating any 2 consecutive bases within chrX:68,839,709-68,839,715 gives the same sequence; the c. name uses the placement nearest the transcript's 3' end. VCF-style (leftmost placement, unchanged base first): chrX-68839708-G-GGT. GRCh37 (hg19) VCF-style: chrX-68059551-G-GGT.
Other names: short protein forms R154fs.
Identifiers: ClinVar variation 917767 (VCV000917767.1), dbSNP rs2080471528, ClinGen allele CA1139667617.

ClinVar aggregate classification (germline): Likely pathogenic (1 of 4 stars; one submission).

Conditions:
Craniofrontonasal syndrome (CFNS). Also called: CRANIOFRONTONASAL DYSOSTOSIS. Identifiers: Orphanet 1520, MedGen C0220767, MONDO:0010570, OMIM 304110.

Submission:

Women's Health and Genetics/Laboratory Corporation of America, LabCorp
Classification: Likely pathogenic for Craniofrontonasal syndrome. Last evaluated: 2020-04-20. Review status: criteria provided, single submitter. Criteria: LabCorp Variant Classification Summary - May 2015. Collection method: clinical testing. Allele origin: germline.
Comment: Variant summary: EFNB1 c.457_458dupTG (p.Arg154AlafsX6) results in a premature termination codon, predicted to cause a truncation of the encoded protein or absence of the protein due to nonsense mediated decay, which are commonly known mechanisms for disease. The variant was absent in 180578 control chromosomes (gnomAD). To our knowledge, no occurrence of c.457_458dupTG in individuals affected with Craniofrontonasal Dysplasia and no experimental evidence demonstrating its impact on protein function have been reported. No clinical diagnostic laboratories have submitted clinical-significance assessments for this variant to ClinVar after 2014. Based on the evidence outlined above, the variant was classified as likely pathogenic.